The following is an entry in ClinVar:

ClinVar aggregate classification (germline): Uncertain significance (1 of 4 stars; one submission).

Allele frequency attached by ClinVar (database versions not stated): gnomAD 0.00001; gnomAD exomes 0.00002; TOPMed 0.00002; ExAC 0.00005; ESP Exome Variant Server 0.00008.
gnomAD v4.1: 34 of 1,612,072 alleles (0.0021%); highest among the groups gnomAD compares: Admixed American, 0.018%; no homozygotes.

Submission:

Labcorp Genetics (formerly Invitae), Labcorp
Classification: Uncertain significance. Last evaluated: 2025-12-31. Review status: criteria provided, single submitter. Criteria: Invitae Variant Classification Sherloc (09022015). Collection method: clinical testing. Allele origin: germline.
Comment: This sequence change replaces arginine, which is basic and polar, with histidine, which is basic and polar, at codon 1346 of the FBN3 protein (p.Arg1346His). This variant is present in population databases (rs373500364, gnomAD 0.03%). This variant has not been reported in the literature in individuals affected with FBN3-related conditions. ClinVar contains an entry for this variant (Variation ID: 2183759). Invitae Evidence Modeling of protein sequence and biophysical properties (such as structural, functional, and spatial information, amino acid conservation, physicochemical variation, residue mobility, and thermodynamic stability) indicates that this missense variant is not expected to disrupt FBN3 protein function with a negative predictive value of 80%. In summary, the available evidence is currently insufficient to determine the role of this variant in disease. Therefore, it has been classified as a Variant of Uncertain Significance.

NM_032447.5(FBN3):c.4037G>A (p.Arg1346His)

Gene: FBN3 (fibrillin 3; minus strand). Cytogenetic location: 19p13.2.
Variant type: single nucleotide variant.
Coding change: c.4037G>A on transcript NM_032447.5 (MANE Select); coding-DNA position 4037, G replaced by A.
Protein change: p.Arg1346His; replaces arginine 1346 with histidine.
Molecular consequence: missense variant.
Genome position (GRCh38, 1-based): chr19:8,111,695, C>T on the plus strand (G>A on the coding strand, the complement: FBN3 is on the minus strand). VCF-style: chr19-8111695-C-T. GRCh37 (hg19) VCF-style: chr19-8176579-C-T.
Other names: c.4037G>A, p.Arg1346His (NM_001321431.2); short protein forms R1346H.
Identifiers: ClinVar variation 2183759 (VCV002183759.4), dbSNP rs373500364, ClinGen allele CA9152222.